The following is an entry in ClinVar:

ClinVar aggregate classification (germline): Uncertain significance (1 of 4 stars; one submission).

Conditions:
Familial adenomatous polyposis 1 (FAP1). Also called: POLYPOSIS, ADENOMATOUS INTESTINAL; FAMILIAL ADENOMATOUS POLYPOSIS 1, ATTENUATED. Identifiers: MedGen C2713442, MONDO:0021056, OMIM 175100. Disease mechanism: loss of function.

Submission:

Labcorp Genetics (formerly Invitae), Labcorp
Classification: Uncertain significance for Familial adenomatous polyposis 1. Last evaluated: 2023-08-22. Review status: criteria provided, single submitter. Criteria: Invitae Variant Classification Sherloc (09022015). Collection method: clinical testing. Allele origin: germline.
Comment: In summary, the available evidence is currently insufficient to determine the role of this variant in disease. Therefore, it has been classified as a Variant of Uncertain Significance. Advanced modeling of protein sequence and biophysical properties (such as structural, functional, and spatial information, amino acid conservation, physicochemical variation, residue mobility, and thermodynamic stability) performed at Invitae indicates that this missense variant is not expected to disrupt APC protein function. This variant has not been reported in the literature in individuals affected with APC-related conditions. This variant is not present in population databases (gnomAD no frequency). This sequence change replaces proline, which is neutral and non-polar, with threonine, which is neutral and polar, at codon 865 of the APC protein (p.Pro865Thr).

NM_000038.6(APC):c.2593C>A (p.Pro865Thr)

Gene: APC (APC regulator of Wnt signaling pathway; plus strand). Cytogenetic location: 5q22.2.
Variant type: single nucleotide variant.
Coding change: c.2593C>A on transcript NM_000038.6 (MANE Select); coding-DNA position 2593, C replaced by A.
Protein change: p.Pro865Thr; replaces proline 865 with threonine.
Molecular consequence: missense variant. On other transcripts: non-coding transcript variant (2).
Genome position (GRCh38, 1-based): chr5:112,838,187, C>A. VCF-style: chr5-112838187-C-A. GRCh37 (hg19) VCF-style: chr5-112173884-C-A.
Other names: c.2593C>A, p.Pro865Thr (NM_001127510.3, NM_001354895.2, NM_001407450.1); c.2539C>A, p.Pro847Thr (NM_001127511.3); c.2647C>A, p.Pro883Thr (NM_001354896.2, NM_001407447.1, NM_001407448.1 and 1 more transcripts); c.2623C>A, p.Pro875Thr (NM_001354897.2); c.2518C>A, p.Pro840Thr (NM_001354898.2); c.2509C>A, p.Pro837Thr (NM_001354899.2); c.2470C>A, p.Pro824Thr (NM_001354900.2); c.2416C>A, p.Pro806Thr (NM_001354901.2, NM_001407453.1); and 11 more; short protein forms P481T, P582T, P739T, P774T, P782T, P824T, P858T, P875T.
Identifiers: ClinVar variation 2754322 (VCV002754322.3), dbSNP rs192620988, ClinGen allele CA16027010.
Genomic context (GRCh38, chr5:112,838,187, plus strand): 5'-CGTTCTGAAAAAGATAGAAGTTTGGAGAGAGAACGCGGAATTGGTCTAGGCAACTACCAT[C>A]CAGCAACAGAAAATCCAGGAACTTCTTCAAAGCGAGGTTTGCAGATCTCCACCACTGCAG-3'
Protein context (NP_000029.2, residues 855-875): ERGIGLGNYH[Pro865Thr]ATENPGTSSK